The following is an entry in ClinVar:

NM_198578.4(LRRK2):c.3923T>C (p.Phe1308Ser)

Gene: LRRK2 (leucine rich repeat kinase 2; plus strand). Cytogenetic location: 12q12.
Variant type: single nucleotide variant.
Coding change: c.3923T>C on transcript NM_198578.4 (MANE Select); coding-DNA position 3923, T replaced by C.
Protein change: p.Phe1308Ser; replaces phenylalanine 1308 with serine.
Molecular consequence: missense variant.
Genome position (GRCh38, 1-based): chr12:40,305,930, T>C. VCF-style: chr12-40305930-T-C. GRCh37 (hg19) VCF-style: chr12-40699732-T-C.
Other names: short protein forms F1308S.
Identifiers: ClinVar variation 3292030 (VCV003292030.1).

ClinVar aggregate classification (germline): Uncertain significance (1 of 4 stars; one submission).

Conditions:
Inborn genetic diseases. Identifiers: MedGen C0950123, MeSH D030342.

Submission:

Ambry Genetics
Classification: Uncertain significance for Inborn genetic diseases. Last evaluated: 2024-05-24. Review status: criteria provided, single submitter. Criteria: Ambry Variant Classification Scheme 2023. Collection method: clinical testing. Allele origin: germline.
Comment: The p.F1308S variant (also known as c.3923T>C), located in coding exon 28 of the LRRK2 gene, results from a T to C substitution at nucleotide position 3923. The phenylalanine at codon 1308 is replaced by serine, an amino acid with highly dissimilar properties. This amino acid position is conserved. In addition, the in silico prediction for this alteration is inconclusive. Based on the available evidence, the clinical significance of this variant remains unclear.